The following is an entry in ClinVar:

ClinVar aggregate classification (germline): Benign. Review status: criteria provided, multiple submitters, no conflicts (2 of 4 stars). 2 submissions from 2 submitters: Benign (2). Last evaluated 2018-01-13.

Conditions:
Congenital defect of folate absorption. Also called: Hereditary Folate Malabsorption. Identifiers: Orphanet 90045, MedGen C0342705, MONDO:0009238, OMIM 229050.

Allele frequency attached by ClinVar (database versions not stated): gnomAD 0.59615 and 0.59678; 1000 Genomes Project 0.61741; TOPMed 0.61841; 1000 Genomes Project 30x 0.62320.

Submissions (2):

Illumina Laboratory Services, Illumina
Classification: Benign for Congenital defect of folate absorption. Last evaluated: 2018-01-13. Review status: criteria provided, single submitter. Criteria: ICSL Variant Classification Criteria 13 December 2019. Collection method: clinical testing. Allele origin: germline.
Comment: This variant was observed in the ICSL laboratory as part of a predisposition screen in an ostensibly healthy population. It had not been previously curated by ICSL or reported in the Human Gene Mutation Database (HGMD: prior to June 1st, 2018), and was therefore a candidate for classification through an automated scoring system. Utilizing variant allele frequency, disease prevalence and penetrance estimates, and inheritance mode, an automated score was calculated to assess if this variant is too frequent to cause the disease. Based on the score and internal cut-off values, a variant classified as benign is not then subjected to further curation. The score for this variant resulted in a classification of benign for this disease.

Breakthrough Genomics
Classification: Benign. Review status: criteria provided, single submitter. Criteria: ACMG Guidelines, 2015. Collection method: not provided. Allele origin: germline. Inheritance: Autosomal recessive inheritance. Affected: yes.

NM_080669.6(SLC46A1):c.*4780C>T

Genes: SLC46A1 (solute carrier family 46 member 1; minus strand), SARM1 (sterile alpha and TIR motif containing 1; plus strand). Cytogenetic location: 17q11.2.
Variant type: single nucleotide variant.
Coding change: c.*4780C>T on transcript NM_080669.6 (MANE Select); 4780 bases downstream of the stop codon, C replaced by T.
Molecular consequence: 3 prime UTR variant. On other transcripts: intron variant (1).
Genome position (GRCh38, 1-based): chr17:28,394,876, G>A on the plus strand (C>T on the coding strand, the complement: SLC46A1 is on the minus strand). VCF-style: chr17-28394876-G-A. GRCh37 (hg19) VCF-style: chr17-26721895-G-A.
Other names: c.*4780C>T (NM_001242366.3); c.1924-1029G>A (NM_015077.4).
Identifiers: ClinVar variation 322336 (VCV000322336.6), dbSNP rs1128161, ClinGen allele CA10639215.